The following is an entry in ClinVar:

NM_000944.5(PPP3CA):c.1560T>G (p.Ile520Met)

Gene: PPP3CA (protein phosphatase 3 catalytic subunit alpha; minus strand). Cytogenetic location: 4q24.
Variant type: single nucleotide variant.
Coding change: c.1560T>G on transcript NM_000944.5 (MANE Select); coding-DNA position 1560, T replaced by G.
Protein change: p.Ile520Met; replaces isoleucine 520 with methionine.
Molecular consequence: missense variant.
Genome position (GRCh38, 1-based): chr4:101,025,871, A>C on the plus strand (T>G on the coding strand, the complement: PPP3CA is on the minus strand). VCF-style: chr4-101025871-A-C. GRCh37 (hg19) VCF-style: chr4-101947028-A-C.
Other names: c.1530T>G, p.Ile510Met (NM_001130691.2); c.1404T>G, p.Ile468Met (NM_001130692.2); short protein forms I468M, I510M, I520M.
Identifiers: ClinVar variation 1719561 (VCV001719561.5), dbSNP rs2476196980, ClinGen allele CA357947419.

ClinVar aggregate classification (germline): Uncertain significance (1 of 4 stars; one submission).

Allele frequency attached by ClinVar (database versions not stated): gnomAD exomes below 0.00001.
gnomAD v4.1: 2 of 1,549,130 alleles (0.00013%); highest among the groups gnomAD compares: Admixed American, 0.002%; no homozygotes.

Submission:

Labcorp Genetics (formerly Invitae), Labcorp
Classification: Uncertain significance. Last evaluated: 2025-01-17. Review status: criteria provided, single submitter. Criteria: Invitae Variant Classification Sherloc (09022015). Collection method: clinical testing. Allele origin: germline.
Comment: This sequence change replaces isoleucine, which is neutral and non-polar, with methionine, which is neutral and non-polar, at codon 520 of the PPP3CA protein (p.Ile520Met). This variant is not present in population databases (gnomAD no frequency). This variant has not been reported in the literature in individuals affected with PPP3CA-related conditions. ClinVar contains an entry for this variant (Variation ID: 1719561). Experimental studies and prediction algorithms are not available or were not evaluated, and the functional significance of this variant is currently unknown. In summary, the available evidence is currently insufficient to determine the role of this variant in disease. Therefore, it has been classified as a Variant of Uncertain Significance.